The following is an entry in ClinVar:

NM_145698.5(ACBD5):c.98A>G (p.Gln33Arg)

Genes: ACBD5 (acyl-CoA binding domain containing 5; minus strand), LOC130003557 (ATAC-STARR-seq lymphoblastoid active region 3182; plus strand). Cytogenetic location: 10p12.1.
Variant type: single nucleotide variant.
Coding change: c.98A>G on transcript NM_145698.5 (MANE Select); coding-DNA position 98, A replaced by G.
Protein change: p.Gln33Arg; replaces glutamine 33 with arginine.
Molecular consequence: missense variant. On other transcripts: 5 prime UTR variant (16).
Genome position (GRCh38, 1-based): chr10:27,240,402, T>C on the plus strand (A>G on the coding strand, the complement: ACBD5 is on the minus strand). VCF-style: chr10-27240402-T-C. GRCh37 (hg19) VCF-style: chr10-27529331-T-C.
Other names: c.-8A>G (NM_001042473.4, NM_001352574.2, NM_001352575.2 and 6 more transcripts); c.92A>G, p.Gln31Arg (NM_001271512.3, NM_001352571.1, NM_001352586.1 and 1 more transcripts); c.-109A>G (NM_001301251.2, NM_001301252.2, NM_001301253.2 and 4 more transcripts); c.119A>G, p.Gln40Arg (NM_001352568.1, NM_001352572.1); c.98A>G, p.Gln33Arg (NM_001352569.1, NM_001352570.1, NM_001352573.1 and 2 more transcripts); short protein forms Q33R, Q40R, Q31R.
Identifiers: ClinVar variation 938422 (VCV000938422.6), dbSNP rs771208380, ClinGen allele CA5451035.

ClinVar aggregate classification (germline): Uncertain significance. Review status: criteria provided, multiple submitters, no conflicts (2 of 4 stars). 2 submissions from 2 submitters: Uncertain significance (2). Last evaluated 2026-02-10.

Conditions:
ACBD5-related disorder. Also called: ACBD5-related condition.

Allele frequency attached by ClinVar (database versions not stated): TOPMed 0.00005; gnomAD 0.00007 and 0.00009; gnomAD exomes 0.00012; ExAC 0.00014.
gnomAD v4.1: 188 of 1,613,934 alleles (0.012%); highest among the groups gnomAD compares: Non-Finnish European, 0.014%; no homozygotes.

Submissions (2):

PreventionGenetics, part of Exact Sciences
Classification: Uncertain significance for ACBD5-related condition. Last evaluated: 2026-02-10. Review status: criteria provided, single submitter. Criteria: ACMG Guidelines, 2015. Collection method: clinical testing. Allele origin: germline.
Comment: The ACBD5 c.98A>G variant is predicted to result in the amino acid substitution p.Gln33Arg. To our knowledge, this variant has not been reported in the literature. This variant is reported in 0.022% of alleles in individuals of European (Non-Finnish) descent in gnomAD. At this time, the clinical significance of this variant is uncertain due to the absence of conclusive functional and genetic evidence.

Labcorp Genetics (formerly Invitae), Labcorp
Classification: Uncertain significance. Last evaluated: 2021-11-18. Review status: criteria provided, single submitter. Criteria: Invitae Variant Classification Sherloc (09022015). Collection method: clinical testing. Allele origin: germline.
Comment: This sequence change replaces glutamine, which is neutral and polar, with arginine, which is basic and polar, at codon 33 of the ACBD5 protein (p.Gln33Arg). This variant is present in population databases (rs771208380, gnomAD 0.02%). This variant has not been reported in the literature in individuals affected with ACBD5-related conditions. ClinVar contains an entry for this variant (Variation ID: 938422). Algorithms developed to predict the effect of missense changes on protein structure and function output the following: SIFT: "Tolerated"; PolyPhen-2: "Benign"; Align-GVGD: "Class C0". The arginine amino acid residue is found in multiple mammalian species, which suggests that this missense change does not adversely affect protein function. In summary, the available evidence is currently insufficient to determine the role of this variant in disease. Therefore, it has been classified as a Variant of Uncertain Significance.